The following is an entry in ClinVar:

NM_001379286.1(ZNF423):c.3707C>T (p.Thr1236Ile)

Gene: ZNF423 (zinc finger protein 423; minus strand). Cytogenetic location: 16q12.1.
Variant type: single nucleotide variant.
Coding change: c.3707C>T on transcript NM_001379286.1 (MANE Select); coding-DNA position 3707, C replaced by T.
Protein change: p.Thr1236Ile; replaces threonine 1236 with isoleucine.
Molecular consequence: missense variant.
Genome position (GRCh38, 1-based): chr16:49,525,389, G>A on the plus strand (C>T on the coding strand, the complement: ZNF423 is on the minus strand). VCF-style: chr16-49525389-G-A. GRCh37 (hg19) VCF-style: chr16-49559300-G-A.
Other names: c.3503C>T, p.Thr1168Ile (NM_001271620.2); c.3332C>T, p.Thr1111Ile (NM_001330533.2); c.3683C>T, p.Thr1228Ile (NM_015069.5); short protein forms T1228I, T1236I, T1168I, T1111I.
Identifiers: ClinVar variation 1971021 (VCV001971021.5), dbSNP rs2506726493, ClinGen allele CA395830305.

ClinVar aggregate classification (germline): Uncertain significance (1 of 4 stars; one submission).

Conditions:
Nephronophthisis 14 (NPHP14). Identifiers: Orphanet 2318, MedGen C3539071, MONDO:0013916, OMIM 614844.

Submission:

Labcorp Genetics (formerly Invitae), Labcorp
Classification: Uncertain significance for Nephronophthisis 14. Last evaluated: 2022-09-27. Review status: criteria provided, single submitter. Criteria: Invitae Variant Classification Sherloc (09022015). Collection method: clinical testing. Allele origin: germline.
Comment: This variant is not present in population databases (gnomAD no frequency). This variant has not been reported in the literature in individuals affected with ZNF423-related conditions. Advanced modeling of protein sequence and biophysical properties (such as structural, functional, and spatial information, amino acid conservation, physicochemical variation, residue mobility, and thermodynamic stability) performed at Invitae indicates that this missense variant is not expected to disrupt ZNF423 protein function. In summary, the available evidence is currently insufficient to determine the role of this variant in disease. Therefore, it has been classified as a Variant of Uncertain Significance. This sequence change replaces threonine, which is neutral and polar, with isoleucine, which is neutral and non-polar, at codon 1228 of the ZNF423 protein (p.Thr1228Ile).